The following is an entry in ClinVar:

ClinVar aggregate classification (germline): Conflicting classifications of pathogenicity. Review status: criteria provided, conflicting classifications (1 of 4 stars). 2 submissions from 2 submitters: Uncertain significance (1); Likely benign (1). Last evaluated 2026-02-04.

Allele frequency attached by ClinVar (database versions not stated): ExAC 0.00007; 1000 Genomes Project 30x 0.00016; 1000 Genomes Project 0.00020; gnomAD 0.00001; TOPMed 0.00002; gnomAD exomes 0.00003.

Submissions (2):

Women's Health and Genetics/Laboratory Corporation of America, LabCorp
Classification: Uncertain significance. Last evaluated: 2026-02-04. Review status: criteria provided, single submitter. Criteria: LabCorp Variant Classification Summary - May 2015. Collection method: clinical testing. Allele origin: germline.
Comment: Variant summary: NR1I3 c.344G>A (p.Arg115Gln) results in a conservative amino acid change in the encoded protein sequence. Algorithms developed to predict the effect of missense changes on protein structure and function all suggest that this variant is likely to be tolerated. The variant allele was found at a frequency of 6.4e-05 in 251458 control chromosomes. This frequency is not significantly higher than estimated for disease-causing variants in NR1I3, allowing no conclusion about variant significance. To our knowledge, no occurrence of c.344G>A in individuals affected with NR1I3-related conditions and no experimental evidence demonstrating its impact on protein function have been reported. ClinVar contains an entry for this variant (Variation ID: 3201902). Based on the evidence outlined above, the variant was classified as uncertain significance.

Ambry Genetics
Classification: Likely benign. Last evaluated: 2024-03-07. Review status: criteria provided, single submitter. Criteria: Ambry Variant Classification Scheme 2023. Collection method: clinical testing. Allele origin: germline.

NM_005122.5(NR1I3):c.344G>A (p.Arg115Gln)

Gene: NR1I3 (nuclear receptor subfamily 1 group I member 3; minus strand). Cytogenetic location: 1q23.3.
Variant type: single nucleotide variant.
Coding change: c.344G>A on transcript NM_005122.5 (MANE Select); coding-DNA position 344, G replaced by A.
Protein change: p.Arg115Gln; replaces arginine 115 with glutamine.
Molecular consequence: missense variant.
Genome position (GRCh38, 1-based): chr1:161,233,233, C>T on the plus strand (G>A on the coding strand, the complement: NR1I3 is on the minus strand). VCF-style: chr1-161233233-C-T. GRCh37 (hg19) VCF-style: chr1-161203023-C-T.
Other names: c.344G>A, p.Arg115Gln (NM_001077474.3, NM_001077478.3, NM_001077480.3 and 4 more transcripts); c.257G>A, p.Arg86Gln (NM_001077475.3, NM_001077476.3, NM_001077477.3 and 4 more transcripts); short protein forms R86Q, R115Q.
Identifiers: ClinVar variation 3201902 (VCV003201902.2), dbSNP rs545723392, ClinGen allele CA1209837.
Genomic context (GRCh38, chr1:161,233,233, plus strand): 5'-AACTGCACAAACTGTTCAAACATGGTGCCCATGTGGCGGGTGTGGGCCCCCAGGAGTGTC[C>T]GGATCAGCTCTTCTTGCTCCTTACTCAGTTGCACAGGTGTTTGCTGTGCCCGCCGCTGGG-3'
Protein context (NP_005113.1, residues 105-125): QLSKEQEELI[Arg115Gln]TLLGAHTRHM